The following is an entry in ClinVar:

NM_000038.6(APC):c.3220A>G (p.Thr1074Ala)

Gene: APC (APC regulator of Wnt signaling pathway; plus strand). Cytogenetic location: 5q22.2.
Variant type: single nucleotide variant.
Coding change: c.3220A>G on transcript NM_000038.6 (MANE Select); coding-DNA position 3220, A replaced by G.
Protein change: p.Thr1074Ala; replaces threonine 1074 with alanine.
Molecular consequence: missense variant.
Genome position (GRCh38, 1-based): chr5:112,838,814, A>G. VCF-style: chr5-112838814-A-G. GRCh37 (hg19) VCF-style: chr5-112174511-A-G.
Other names: c.3220A>G, p.Thr1074Ala (NM_001127510.3, NM_001354895.2); c.3166A>G, p.Thr1056Ala (NM_001127511.3); c.3274A>G, p.Thr1092Ala (NM_001354896.2); c.3250A>G, p.Thr1084Ala (NM_001354897.2); c.3145A>G, p.Thr1049Ala (NM_001354898.2); c.3136A>G, p.Thr1046Ala (NM_001354899.2); c.3097A>G, p.Thr1033Ala (NM_001354900.2); c.3043A>G, p.Thr1015Ala (NM_001354901.2); and 5 more; short protein forms T1056A, T1074A, T1015A, T1049A, T791A, T914A, T948A, T1046A.
Identifiers: ClinVar variation 428104 (VCV000428104.30), dbSNP rs962456431, ClinGen allele CA16028397.
Genomic context (GRCh38, chr5:112,838,814, plus strand): 5'-CACATAATAGAAGATGAAATAAAACAAAGTGAGCAAAGACAATCAAGGAATCAAAGTACA[A>G]CTTATCCTGTTTATACTGAGAGCACTGATGATAAACACCTCAAGTTCCAACCACATTTTG-3'
Protein context (NP_000029.2, residues 1064-1084): EQRQSRNQST[Thr1074Ala]YPVYTESTDD

ClinVar aggregate classification (germline): Uncertain significance. Review status: criteria provided, multiple submitters, no conflicts (2 of 4 stars). 7 submissions from 7 submitters: Uncertain significance (7). Last evaluated 2025-12-22.

Conditions:
Hereditary cancer-predisposing syndrome. Also called: Hereditary Cancer Syndrome; Tumor predisposition; Hereditary neoplastic syndrome; Neoplastic Syndromes, Hereditary. Identifiers: Orphanet 140162, MedGen C0027672, MeSH D009386, MONDO:0015356.
Familial adenomatous polyposis 1 (FAP1). Also called: POLYPOSIS, ADENOMATOUS INTESTINAL; FAMILIAL ADENOMATOUS POLYPOSIS 1, ATTENUATED. Identifiers: MedGen C2713442, MONDO:0021056, OMIM 175100. Disease mechanism: loss of function.

Allele frequency attached by ClinVar (database versions not stated): gnomAD exomes 0.00001; TOPMed 0.00002; gnomAD 0.00001.
gnomAD v4.1: 13 of 1,614,050 alleles (0.00081%); highest among the groups gnomAD compares: South Asian, 0.0022%; no homozygotes.

Submissions (7):

Ambry Genetics
Classification: Uncertain significance for Hereditary cancer-predisposing syndrome. Last evaluated: 2025-12-22. Review status: criteria provided, single submitter. Criteria: Ambry Variant Classification Scheme 2023. Collection method: clinical testing. Allele origin: germline.
Comment: The p.T1074A variant (also known as c.3220A>G), located in coding exon 15 of the APC gene, results from an A to G substitution at nucleotide position 3220. The threonine at codon 1074 is replaced by alanine, an amino acid with similar properties. This amino acid position is not well conserved in available vertebrate species, and alanine is the reference amino acid in other vertebrate species. In addition, in silico predictors for this gene do not accurately predict pathogenicity. Since supporting evidence is limited at this time, the clinical significance of this alteration remains unclear.

Labcorp Genetics (formerly Invitae), Labcorp
Classification: Uncertain significance for Familial adenomatous polyposis 1. Last evaluated: 2025-11-10. Review status: criteria provided, single submitter. Criteria: Invitae Variant Classification Sherloc (09022015). Collection method: clinical testing. Allele origin: germline.
Comment: This sequence change replaces threonine, which is neutral and polar, with alanine, which is neutral and non-polar, at codon 1074 of the APC protein (p.Thr1074Ala). This variant is present in population databases (no rsID available, gnomAD 0.003%). This variant has not been reported in the literature in individuals affected with APC-related conditions. ClinVar contains an entry for this variant (Variation ID: 428104). Invitae Evidence Modeling of protein sequence and biophysical properties (such as structural, functional, and spatial information, amino acid conservation, physicochemical variation, residue mobility, and thermodynamic stability) indicates that this missense variant is not expected to disrupt APC protein function with a negative predictive value of 95%. In summary, the available evidence is currently insufficient to determine the role of this variant in disease. Therefore, it has been classified as a Variant of Uncertain Significance.

GeneDx
Classification: Uncertain significance. Last evaluated: 2025-02-11. Review status: criteria provided, single submitter. Criteria: GeneDx Variant Classification Process June 2021. Collection method: clinical testing. Allele origin: germline.
Comment: Not observed at significant frequency in large population cohorts (gnomAD); In silico analysis indicates that this missense variant does not alter protein structure/function; Observed in a patient with hereditary polyposis (Dz and Mehmet Burahan, (2021)); This variant is associated with the following publications: (PMID: 18199528, Dz2021[Case Report])

Molecular Diagnostics Laboratory, Catalan Institute of Oncology
Classification: Uncertain significance for Hereditary cancer-predisposing syndrome. Last evaluated: 2024-12-08. Review status: criteria provided, single submitter. Criteria: ClinGen ACMG Specifications APC V1.0.0. Collection method: clinical testing. Allele origin: germline.
Comment: BP1 c.3220A>G, located in exon 16 of the APC gene, is predicted to result in the substitution of threonine by alanine at codon 1074, p.(Thr1074Ala)(BP1).This variant is found in 3/267469 at a filtering allele frequency of 0.0003% in the gnomAD v2.1.1 database non-cancer data set. The SpliceAI algorithm predicts no significant impact on splicing. In addition, the variant was also identified in the ClinVar database (6x uncertain significance) but has not been reported in LOVD database. Based on currently available information, the variant c.3220A>G is classified as an uncertain significant variant according to ClinGen-APC Guidelines version v1.

Color Diagnostics, LLC DBA Color Health
Classification: Uncertain significance for Hereditary cancer-predisposing syndrome. Last evaluated: 2024-03-06. Review status: criteria provided, single submitter. Criteria: ACMG Guidelines, 2015. Collection method: clinical testing. Allele origin: germline.
Comment: This missense variant replaces threonine with alanine at codon 1074 of the APC protein. Computational prediction suggests that this variant may not impact protein structure and function (internally defined REVEL score threshold <= 0.5, PMID: 27666373). Splice site prediction tools suggest that this variant may not impact RNA splicing. To our knowledge, functional studies have not been reported for this variant. This variant has not been reported in individuals affected with hereditary cancer in the literature. This variant has been identified in 3/250420 chromosomes in the general population by the Genome Aggregation Database (gnomAD). The available evidence is insufficient to determine the role of this variant in disease conclusively. Therefore, this variant is classified as a Variant of Uncertain Significance.

ARUP Laboratories, Molecular Genetics and Genomics, ARUP Laboratories
Classification: Uncertain significance. Last evaluated: 2022-04-29. Review status: criteria provided, single submitter. Criteria: ARUP Molecular Germline Variant Investigation Process 2021. Collection method: clinical testing. Allele origin: germline.
Comment: The APC c.3220A>G; p.Thr1074Ala variant (rs962456431), to our knowledge, is not reported in the medical literature but is reported in ClinVar (Variation ID: 428104). This variant is only observed on 3 alleles in the Genome Aggregation Database, indicating it is not a common polymorphism. The threonine at codon 1074 is moderately conserved, but computational analyses are uncertain whether this variant is neutral or deleterious (REVEL: 0.18). The vast majority of pathogenic APC variants are truncating nonsense or frameshift variants (see InSiGHt, Kerr 2013). However, due to limited information, the clinical significance of this missense variant is uncertain at this time. References: Link to InSiGHt. Kerr SE et al. APC germline mutations in individuals being evaluated for familial adenomatous polyposis: a review of the Mayo Clinic experience with 1591 consecutive tests. J Mol Diagn. 2013 Jan;15(1):31-43.

Institute for Clinical Genetics, University Hospital TU Dresden, University Hospital TU Dresden
Classification: Uncertain significance. Last evaluated: 2021-11-03. Review status: criteria provided, single submitter. Criteria: ACMG Guidelines, 2015. Collection method: clinical testing. Allele origin: germline.